The following is an entry in ClinVar:

ClinVar aggregate classification (germline): Uncertain significance (1 of 4 stars; one submission).

Conditions:
Alpha thalassemia-X-linked intellectual disability syndrome (ATRX). Also called: ALPHA-THALASSEMIA/MENTAL RETARDATION SYNDROME, X-LINKED; ATR, NONDELETION TYPE; X-linked alpha-thalassemia-mental retardation syndrome; ALPHA-THALASSEMIA/IMPAIRED INTELLECTUAL DEVELOPMENT SYNDROME, X-LINKED; ATR-X syndrome; Alpha thalassemia mental retardation syndrome, nondeletion type, X-linked. Identifiers: Orphanet 847, MedGen C1845055, MONDO:0010519, OMIM 301040.

Submission:

Labcorp Genetics (formerly Invitae), Labcorp
Classification: Uncertain significance for Alpha thalassemia-X-linked intellectual disability syndrome. Last evaluated: 2018-10-23. Review status: criteria provided, single submitter. Criteria: Invitae Variant Classification Sherloc (09022015). Collection method: clinical testing. Allele origin: germline.
Comment: In summary, this variant has uncertain impact on ATRX function. The available evidence is currently insufficient to determine its role in disease. Therefore, it has been classified as a Variant of Uncertain Significance. Algorithms developed to predict the effect of missense changes on protein structure and function do not agree on the potential impact of this missense change (SIFT: "Deleterious"; PolyPhen-2: "Probably Damaging"; Align-GVGD: "Class C0"). This variant has not been reported in the literature in individuals with a ATRX-related disease. This variant is not present in population databases (ExAC no frequency). This sequence change replaces leucine with phenylalanine at codon 1846 of the ATRX protein (p.Leu1846Phe). The leucine residue is highly conserved and there is a small physicochemical difference between leucine and phenylalanine.

NM_000489.6(ATRX):c.5536C>T (p.Leu1846Phe)

Gene: ATRX (ATRX chromatin remodeler; minus strand). Cytogenetic location: Xq21.1.
Variant type: single nucleotide variant.
Coding change: c.5536C>T on transcript NM_000489.6 (MANE Select); coding-DNA position 5536, C replaced by T.
Protein change: p.Leu1846Phe; replaces leucine 1846 with phenylalanine.
Molecular consequence: missense variant.
Genome position (GRCh38, 1-based): chrX:77,616,643, G>A on the plus strand (C>T on the coding strand, the complement: ATRX is on the minus strand). VCF-style: chrX-77616643-G-A. GRCh37 (hg19) VCF-style: chrX-76872111-G-A.
Other names: c.5422C>T, p.Leu1808Phe (NM_138270.5); short protein forms L1846F, L1808F.
Identifiers: ClinVar variation 465063 (VCV000465063.10), dbSNP rs1557097008, ClinGen allele CA413700235.